The following is an entry in ClinVar:

ClinVar aggregate classification (germline): Uncertain significance (1 of 4 stars; one submission).

Submission:

GeneDx
Classification: Uncertain significance. Last evaluated: 2026-03-10. Review status: criteria provided, single submitter. Criteria: GeneDx Variant Classification Process June 2021. Collection method: clinical testing. Allele origin: germline.
Comment: Not observed at significant frequency in large population cohorts (gnomAD); In silico analysis supports that this missense variant has a deleterious effect on protein structure/function; Has not been previously published as pathogenic or benign to our knowledge.

NM_014159.7(SETD2):c.1153A>G (p.Arg385Gly)

Gene: SETD2 (SET domain containing 2, histone lysine methyltransferase; minus strand). Cytogenetic location: 3p21.31.
Variant type: single nucleotide variant.
Coding change: c.1153A>G on transcript NM_014159.7 (MANE Select); coding-DNA position 1153, A replaced by G.
Protein change: p.Arg385Gly; replaces arginine 385 with glycine.
Molecular consequence: missense variant. On other transcripts: non-coding transcript variant (1).
Genome position (GRCh38, 1-based): chr3:47,123,483, T>C on the plus strand (A>G on the coding strand, the complement: SETD2 is on the minus strand). VCF-style: chr3-47123483-T-C. GRCh37 (hg19) VCF-style: chr3-47164973-T-C.
Other names: c.1021A>G, p.Arg341Gly (NM_001349370.3); short protein forms R341G, R385G.
Identifiers: ClinVar variation 1697991 (VCV001697991.3), dbSNP rs1224970719, ClinGen allele CA352531844.